The following is an entry in ClinVar:

ClinVar aggregate classification (germline): Benign (1 of 4 stars; one submission).

Conditions:
Vesicoureteral reflux 2 (VUR2). Identifiers: Orphanet 289365, MedGen C1970483, MONDO:0012573, OMIM 610878.

Allele frequency attached by ClinVar (database versions not stated): gnomAD exomes 0.01374; gnomAD 0.02373 and 0.02646; TOPMed 0.02777; 1000 Genomes Project 30x 0.06355; 1000 Genomes Project 0.06450.
gnomAD v4.1: 4,017 of 152,450 alleles (2.6%); highest among the groups gnomAD compares: East Asian, 19%; 138 homozygotes.

Submission:

Illumina Laboratory Services, Illumina
Classification: Benign for Vesicoureteral reflux 2. Last evaluated: 2018-01-12. Review status: criteria provided, single submitter. Criteria: ICSL Variant Classification Criteria 13 December 2019. Collection method: clinical testing. Allele origin: germline.
Comment: This variant was observed in the ICSL laboratory as part of a predisposition screen in an ostensibly healthy population. It had not been previously curated by ICSL or reported in the Human Gene Mutation Database (HGMD: prior to June 1st, 2018), and was therefore a candidate for classification through an automated scoring system. Utilizing variant allele frequency, disease prevalence and penetrance estimates, and inheritance mode, an automated score was calculated to assess if this variant is too frequent to cause the disease. Based on the score and internal cut-off values, a variant classified as benign is not then subjected to further curation. The score for this variant resulted in a classification of benign for this disease.

NM_001395656.1(ROBO2):c.*1114G>A

Gene: ROBO2 (roundabout guidance receptor 2; plus strand). Cytogenetic location: 3p12.3.
Variant type: single nucleotide variant.
Coding change: c.*1114G>A on transcript NM_001395656.1 (MANE Select); 1114 bases downstream of the stop codon, G replaced by A.
Molecular consequence: 3 prime UTR variant.
Genome position (GRCh38, 1-based): chr3:77,647,169, G>A. VCF-style: chr3-77647169-G-A. GRCh37 (hg19) VCF-style: chr3-77696320-G-A.
Other names: c.*1114G>A (NM_001128929.3, NM_001290039.2, NM_001290040.2 and 14 more transcripts); c.*1111G>A (NM_001378194.1, NM_001378196.1, NM_001378199.1 and 3 more transcripts).
Identifiers: ClinVar variation 346731 (VCV000346731.6), dbSNP rs11127602, ClinGen allele CA10617468.
Genomic context (GRCh38, chr3:77,647,169, plus strand): 5'-GCTGTTTCCAAATATAAACTCTATTGCAATATCTTATTTCATCTTTCTAATACATGTACA[G>A]TGCACACTAGAGGATAGAGCTGCATCACTTAAATTCATGACTTAAAAAATAATACAGTTT-3'